The following is an entry in ClinVar:

ClinVar aggregate classification (germline): Uncertain significance (1 of 4 stars; one submission).

Conditions:
Emery-Dreifuss muscular dystrophy (EDMD). Also called: Scapuloperoneal syndrome, X-linked (formerly); Humeroperoneal neuromuscular disease, (formerly). Identifiers: Orphanet 261, MedGen C0410189, MONDO:0016830.

Allele frequency attached by ClinVar (database versions not stated): ExAC 0.00001; TOPMed 0.00001; gnomAD 0.00003; gnomAD exomes 0.00003.
gnomAD v4.1: 40 of 1,614,014 alleles (0.0025%); highest among the groups gnomAD compares: African/African-American, 0.0053%; no homozygotes.

Submission:

Labcorp Genetics (formerly Invitae), Labcorp
Classification: Uncertain significance for Emery-Dreifuss muscular dystrophy. Last evaluated: 2022-01-07. Review status: criteria provided, single submitter. Criteria: Invitae Variant Classification Sherloc (09022015). Collection method: clinical testing. Allele origin: germline.
Comment: Algorithms developed to predict the effect of missense changes on protein structure and function (SIFT, PolyPhen-2, Align-GVGD) all suggest that this variant is likely to be tolerated. This variant has not been reported in the literature in individuals affected with SUN1-related conditions. This variant is present in population databases (rs751832513, gnomAD 0.005%). This sequence change replaces glutamic acid, which is acidic and polar, with lysine, which is basic and polar, at codon 193 of the SUN1 protein (p.Glu193Lys). In summary, the available evidence is currently insufficient to determine the role of this variant in disease. Therefore, it has been classified as a Variant of Uncertain Significance.

NM_001130965.3(SUN1):c.577G>A (p.Glu193Lys)

Gene: SUN1 (Sad1 and UNC84 domain containing 1; plus strand). Cytogenetic location: 7p22.3.
Variant type: single nucleotide variant.
Coding change: c.577G>A on transcript NM_001130965.3 (MANE Select); coding-DNA position 577, G replaced by A.
Protein change: p.Glu193Lys; replaces glutamic acid 193 with lysine.
Molecular consequence: missense variant. On other transcripts: non-coding transcript variant (3), intron variant (1), synonymous variant (1), 5 prime UTR variant (1).
Genome position (GRCh38, 1-based): chr7:843,439, G>A. VCF-style: chr7-843439-G-A. GRCh37 (hg19) VCF-style: chr7-883076-G-A.
Other names: c.577G>A, p.Glu193Lys (NM_001367687.1, NM_001367688.1, NM_001367690.1 and 32 more transcripts); c.427G>A, p.Glu143Lys (NM_001367689.1, NM_001367691.1, NM_001367706.1 and 24 more transcripts); c.388G>A, p.Glu130Lys (NM_001367695.1); c.10G>A, p.Glu4Lys (NM_001367708.1, NM_001367639.1); c.451+1309G>A (NM_001171944.2); c.640G>A, p.Glu214Lys (NM_001171945.2); c.120G>A, p.Pro40= (NM_001367635.1); c.796G>A, p.Glu266Lys (NM_001367651.1); and 2 more; short protein forms E193K, E214K, E143K, E4K, E130K, E202K, E266K.
Identifiers: ClinVar variation 2056241 (VCV002056241.4), dbSNP rs751832513, ClinGen allele CA4111601.